The following is an entry in ClinVar:

ClinVar aggregate classification (germline): Likely pathogenic (1 of 4 stars; one submission).

Conditions:
TSC2-related disorder. Also called: TSC2-related condition; TSC2-Related Disorders.

Submission:

Rady Children's Institute for Genomic Medicine, Rady Children's Hospital San Diego
Classification: Likely pathogenic for TSC2-Related Disorders. Last evaluated: 2024-09-11. Review status: criteria provided, single submitter. Criteria: ACMG Guidelines, 2015. Collection method: clinical testing. Allele origin: germline. Affected: yes.
Comment: This frameshifting variant in exon 37 of 42 is predicted to result in loss of normal protein function through either protein truncation or nonsense-mediated mRNA decay. The TSC2 gene is constrained against loss-of-function variation (pLI = 1), and loss-of-function variants have been reported in individuals with disease (PMID: 35596872, 32383331). This variant has not been previously reported or functionally characterized in the literature to our knowledge. The c.4711_4712insGCATGCTCCT (p.Tyr1571CysfsTer35) variant is absent from the latest version of the gnomAD population database and thus is presumed to be rare. Based on the available evidence, c.4711_4712insGCATGCTCCT (p.Tyr1571CysfsTer35) is classified as Likely Pathogenic.

NM_000548.5(TSC2):c.4711_4712insGCATGCTCCT (p.Tyr1571fs)

Gene: TSC2 (TSC complex subunit 2; plus strand). Cytogenetic location: 16p13.3.
Variant type: Insertion.
Coding change: c.4711_4712insGCATGCTCCT on transcript NM_000548.5 (MANE Select); coding-DNA positions 4711 to 4712, GCATGCTCCT inserted.
Protein change: p.Tyr1571fs; shifts the reading frame from tyrosine 1571.
Molecular consequence: frameshift variant. On other transcripts: non-coding transcript variant (5).
Genome position: GRCh38 VCF-style: chr16-2086240-G-GTGCATGCTCC. GRCh37 (hg19) VCF-style: chr16-2136241-G-GTGCATGCTCC.
Other names: c.4510_4511insGCATGCTCCT, p.Tyr1504fs (NM_001077183.3); c.4642_4643insGCATGCTCCT, p.Tyr1548fs (NM_001114382.3); c.4402_4403insGCATGCTCCT, p.Tyr1468fs (NM_001318827.2); c.4366_4367insGCATGCTCCT, p.Tyr1456fs (NM_001318829.2); c.3979_3980insGCATGCTCCT, p.Tyr1327fs (NM_001318831.2); c.4543_4544insGCATGCTCCT, p.Tyr1515fs (NM_001318832.2); c.4513_4514insGCATGCTCCT, p.Tyr1505fs (NM_001363528.2); c.4579_4580insGCATGCTCCT, p.Tyr1527fs (NM_001370404.1); and 26 more; short protein forms Y1056fs, Y1057fs, Y1079fs, Y1080fs, Y1100fs, Y1304fs, Y1305fs, Y1327fs.
Identifiers: ClinVar variation 3773838 (VCV003773838.1).
Genomic context (GRCh38, chr16:2,086,240, plus strand): 5'-CCTCTCCCCACAGAGCAACAGCGAGCTCGCCATCCTGTCCAATGAGCATGGCTCCTACAG[G>GTGCATGCTCC]TACACGGAGTTCCTGACGGGCCTGGGCCGGCTCATCGAGCTGAAGGACTGCCAGCCGGAC-3'